The following is an entry in ClinVar:

NM_030665.4(RAI1):c.543G>T (p.Gln181His)

Gene: RAI1 (retinoic acid induced 1; plus strand). Cytogenetic location: 17p11.2.
Variant type: single nucleotide variant.
Coding change: c.543G>T on transcript NM_030665.4 (MANE Select); coding-DNA position 543, G replaced by T.
Protein change: p.Gln181His; replaces glutamine 181 with histidine.
Molecular consequence: missense variant.
Genome position (GRCh38, 1-based): chr17:17,793,491, G>T. VCF-style: chr17-17793491-G-T. GRCh37 (hg19) VCF-style: chr17-17696805-G-T.
Other names: short protein forms Q181H.
Identifiers: ClinVar variation 2696465 (VCV002696465.3), dbSNP rs1350181498, ClinGen allele CA398545687.

ClinVar aggregate classification (germline): Uncertain significance (1 of 4 stars; one submission).

Submission:

Labcorp Genetics (formerly Invitae), Labcorp
Classification: Uncertain significance. Last evaluated: 2023-11-17. Review status: criteria provided, single submitter. Criteria: Invitae Variant Classification Sherloc (09022015). Collection method: clinical testing. Allele origin: germline.
Comment: This sequence change replaces glutamine, which is neutral and polar, with histidine, which is basic and polar, at codon 181 of the RAI1 protein (p.Gln181His). This variant is not present in population databases (gnomAD no frequency). This variant has not been reported in the literature in individuals affected with RAI1-related conditions. Advanced modeling of protein sequence and biophysical properties (such as structural, functional, and spatial information, amino acid conservation, physicochemical variation, residue mobility, and thermodynamic stability) performed at Invitae indicates that this missense variant is not expected to disrupt RAI1 protein function with a negative predictive value of 80%. In summary, the available evidence is currently insufficient to determine the role of this variant in disease. Therefore, it has been classified as a Variant of Uncertain Significance.